The following is an entry in ClinVar:

NM_000271.5(NPC1):c.1947+11_1947+16dup

Gene: NPC1 (NPC intracellular cholesterol transporter 1; minus strand). Cytogenetic location: 18q11.2.
Variant type: Duplication.
Coding change: c.1947+11_1947+16dup on transcript NM_000271.5 (MANE Select); bases 11 to 16 of the intron after coding-DNA position 1947, 6 bases duplicated (GGGGGG; older notation c.1947+11_1947+16dupGGGGGG).
Molecular consequence: intron variant.
Genome position (GRCh38, 1-based): chr18:23,544,944-23,544,949, CCCCCC duplicated on the plus strand (GGGGGG on the coding strand, the reverse complement: NPC1 is on the minus strand); duplicating any 6 consecutive bases within chr18:23,544,944-23,544,952 gives the same sequence; the c. name uses the placement nearest the transcript's 3' end. VCF-style (leftmost placement, unchanged base first): chr18-23544943-A-ACCCCCC. GRCh37 (hg19) VCF-style: chr18-21124907-A-ACCCCCC.
Other names: c.1947+11_1947+16dup6 (NM_000271.4).
Identifiers: ClinVar variation 1574507 (VCV001574507.10), dbSNP rs3837910, ClinGen allele CA919946928.

ClinVar aggregate classification (germline): Likely benign. Review status: criteria provided, multiple submitters, no conflicts (2 of 4 stars). 3 submissions from 3 submitters: Likely benign (3). Last evaluated 2025-06-20.

Conditions:
NPC1-related disorder. Also called: NPC1-related condition.
Niemann-Pick disease, type C1. Also called: NIEMANN-PICK DISEASE, VARIANT TYPE C1; NEUROVISCERAL STORAGE DISEASE WITH VERTICAL SUPRANUCLEAR OPHTHALMOPLEGIA; NIEMANN-PICK DISEASE WITH CHOLESTEROL ESTERIFICATION BLOCK; NIEMANN-PICK DISEASE WITHOUT SPHINGOMYELINASE DEFICIENCY; NIEMANN-PICK DISEASE, CHRONIC NEURONOPATHIC FORM. Identifiers: Orphanet 646, MedGen C3179455, MONDO:0009757, OMIM 257220.

Submissions (3):

Labcorp Genetics (formerly Invitae), Labcorp
Classification: Likely benign for Niemann-Pick disease, type C1. Last evaluated: 2025-06-20. Review status: criteria provided, single submitter. Criteria: Invitae Variant Classification Sherloc (09022015). Collection method: clinical testing. Allele origin: germline.

Blueprint Genetics
Classification: Likely benign. Last evaluated: 2024-11-14. Review status: criteria provided, single submitter. Criteria: ACMG Guidelines, 2015. Collection method: clinical testing. Allele origin: germline.

PreventionGenetics, part of Exact Sciences
Classification: Likely benign for NPC1-related condition. Last evaluated: 2024-10-15. Review status: criteria provided, single submitter. Criteria: ACMG Guidelines, 2015. Collection method: clinical testing. Allele origin: germline.
Comment: This variant is classified as likely benign based on ACMG/AMP sequence variant interpretation guidelines (Richards et al. 2015 PMID: 25741868, with internal and published modifications).